The following is an entry in ClinVar:

ClinVar aggregate classification (germline): Uncertain significance (1 of 4 stars; one submission).

Allele frequency attached by ClinVar (database versions not stated): TOPMed below 0.00001.

Submission:

Labcorp Genetics (formerly Invitae), Labcorp
Classification: Uncertain significance. Last evaluated: 2022-06-20. Review status: criteria provided, single submitter. Criteria: Invitae Variant Classification Sherloc (09022015). Collection method: clinical testing. Allele origin: germline.
Comment: This variant has not been reported in the literature in individuals affected with COL11A2-related conditions. In summary, the available evidence is currently insufficient to determine the role of this variant in disease. Therefore, it has been classified as a Variant of Uncertain Significance. Algorithms developed to predict the effect of missense changes on protein structure and function are either unavailable or do not agree on the potential impact of this missense change (SIFT: "Deleterious"; PolyPhen-2: "Benign"; Align-GVGD: "Class C65"). This variant is not present in population databases (gnomAD no frequency). This sequence change replaces glycine, which is neutral and non-polar, with arginine, which is basic and polar, at codon 383 of the COL11A2 protein (p.Gly383Arg).

NM_080680.3(COL11A2):c.1147G>A (p.Gly383Arg)

Gene: COL11A2 (collagen type XI alpha 2 chain; minus strand). Cytogenetic location: 6p21.32.
Variant type: single nucleotide variant.
Coding change: c.1147G>A on transcript NM_080680.3 (MANE Select); coding-DNA position 1147, G replaced by A.
Protein change: p.Gly383Arg; replaces glycine 383 with arginine.
Molecular consequence: missense variant.
Genome position (GRCh38, 1-based): chr6:33,181,143, C>T on the plus strand (G>A on the coding strand, the complement: COL11A2 is on the minus strand). VCF-style: chr6-33181143-C-T. GRCh37 (hg19) VCF-style: chr6-33148920-C-T.
Other names: c.826G>A, p.Gly276Arg (NM_080679.3); c.889G>A, p.Gly297Arg (NM_080681.3); short protein forms G276R, G297R, G383R.
Identifiers: ClinVar variation 2126922 (VCV002126922.4), dbSNP rs927171279, ClinGen allele CA137052234.